The following is an entry in ClinVar:

ClinVar aggregate classification (germline): Uncertain significance (1 of 4 stars; one submission).

Conditions:
Inborn genetic diseases. Identifiers: MedGen C0950123, MeSH D030342.

gnomAD v4.1: 2 of 1,614,252 alleles (0.00012%); highest among the groups gnomAD compares: South Asian, 0.0022%; no homozygotes.

Submission:

Ambry Genetics
Classification: Uncertain significance for Inborn genetic diseases. Last evaluated: 2025-04-06. Review status: criteria provided, single submitter. Criteria: Ambry Variant Classification Scheme 2023. Collection method: clinical testing. Allele origin: germline.
Comment: The p.R933G variant (also known as c.2797A>G), located in coding exon 12 of the BMPR2 gene, results from an A to G substitution at nucleotide position 2797. The arginine at codon 933 is replaced by glycine, an amino acid with dissimilar properties. This amino acid position is conserved. In addition, the in silico prediction for this alteration is inconclusive. Based on the available evidence, the clinical significance of this variant remains unclear.

NM_001204.7(BMPR2):c.2797A>G (p.Arg933Gly)

Gene: BMPR2 (bone morphogenetic protein receptor type 2; plus strand). Cytogenetic location: 2q33.2.
Variant type: single nucleotide variant.
Coding change: c.2797A>G on transcript NM_001204.7 (MANE Select); coding-DNA position 2797, A replaced by G.
Protein change: p.Arg933Gly; replaces arginine 933 with glycine.
Molecular consequence: missense variant.
Genome position (GRCh38, 1-based): chr2:202,556,462, A>G. VCF-style: chr2-202556462-A-G. GRCh37 (hg19) VCF-style: chr2-203421185-A-G.
Other names: short protein forms R933G.
Identifiers: ClinVar variation 3992100 (VCV003992100.1).
Genomic context (GRCh38, chr2:202,556,462, plus strand): 5'-CAAGATGTTCTTGCACAGGGTGTTCCAAGCACAGCAGCAGATCCTGGGCCATCAAAGCCC[A>G]GAAGAGCACAGAGGCCTAATTCTCTGGATCTTTCAGCCACAAATGTCCTGGATGGCAGCA-3'
Protein context (NP_001195.2, residues 923-943): TAADPGPSKP[Arg933Gly]RAQRPNSLDL